The following is an entry in ClinVar:

NM_021072.4(HCN1):c.2075C>G (p.Ala692Gly)

Gene: HCN1 (hyperpolarization activated cyclic nucleotide gated potassium channel 1; minus strand). Cytogenetic location: 5p12.
Variant type: single nucleotide variant.
Coding change: c.2075C>G on transcript NM_021072.4 (MANE Select); coding-DNA position 2075, C replaced by G.
Protein change: p.Ala692Gly; replaces alanine 692 with glycine.
Molecular consequence: missense variant.
Genome position (GRCh38, 1-based): chr5:45,262,519, G>C on the plus strand (C>G on the coding strand, the complement: HCN1 is on the minus strand). VCF-style: chr5-45262519-G-C. GRCh37 (hg19) VCF-style: chr5-45262621-G-C.
Other names: short protein forms A692G.
Identifiers: ClinVar variation 579499 (VCV000579499.10), dbSNP rs1561079301, ClinGen allele CA359704104.

ClinVar aggregate classification (germline): Uncertain significance. Review status: criteria provided, multiple submitters, no conflicts (2 of 4 stars). 2 submissions from 2 submitters: Uncertain significance (2). Last evaluated 2023-09-05.

Conditions:
Early-infantile DEE. Also called: Early infantile epileptic encephalopathy with suppression bursts; Early infantile epileptic encephalopathy; Ohtahara syndrome. Identifiers: Orphanet 1934, MedGen C0393706, MONDO:0800491.
Generalized epilepsy with febrile seizures plus, type 10. Also called: GEFS+, TYPE 10. Identifiers: MedGen C5193120, MONDO:0032777, OMIM 618482.
Developmental and epileptic encephalopathy, 24 (DEE24). Also called: Epileptic encephalopathy, early infantile, 24. Identifiers: Orphanet 442835, MedGen C4014531, MONDO:0014377, OMIM 615871.

gnomAD v4.1: 4 of 1,613,818 alleles (0.00025%); highest among the groups gnomAD compares: South Asian, 0.0022%; no homozygotes.

Submissions (2):

Labcorp Genetics (formerly Invitae), Labcorp
Classification: Uncertain significance for Early-infantile DEE. Last evaluated: 2023-09-05. Review status: criteria provided, single submitter. Criteria: Invitae Variant Classification Sherloc (09022015). Collection method: clinical testing. Allele origin: germline.
Comment: ClinVar contains an entry for this variant (Variation ID: 579499). In summary, the available evidence is currently insufficient to determine the role of this variant in disease. Therefore, it has been classified as a Variant of Uncertain Significance. Advanced modeling of protein sequence and biophysical properties (such as structural, functional, and spatial information, amino acid conservation, physicochemical variation, residue mobility, and thermodynamic stability) performed at Invitae indicates that this missense variant is not expected to disrupt HCN1 protein function. This variant has not been reported in the literature in individuals affected with HCN1-related conditions. This variant is not present in population databases (gnomAD no frequency). This sequence change replaces alanine, which is neutral and non-polar, with glycine, which is neutral and non-polar, at codon 692 of the HCN1 protein (p.Ala692Gly).

Institute of Human Genetics, Clinical Exome/Genome Diagnostics Group, University Hospital Bonn
Classification: Uncertain significance for Developmental and epileptic encephalopathy, 24; Generalized epilepsy with febrile seizures plus, type 10. Last evaluated: 2020-11-19. Review status: criteria provided, single submitter. Criteria: ACMG Guidelines, 2015. Collection method: clinical testing. Allele origin: maternal.